The following is an entry in ClinVar:

ClinVar aggregate classification (germline): Uncertain significance. Review status: reviewed by expert panel (3 of 4 stars). 2 submissions from 2 submitters: Uncertain significance (1). 1 of the submissions does not count toward it. Last evaluated 2026-08-28.

Conditions:
T-B+ severe combined immunodeficiency due to JAK3 deficiency. Also called: SCID, autosomal recessive, T-negative/B-positive type; SCID, T CELL-NEGATIVE, B CELL-POSITIVE, NK CELL-NEGATIVE. Identifiers: Orphanet 35078, MedGen C1833275, MONDO:0010938, OMIM 600802.

Submissions (2):

ClinGen Severe Combined Immunodeficiency Variant Curation Expert Panel, ClinGen
Classification: Uncertain significance for T-B+ severe combined immunodeficiency due to JAK3 deficiency. Last evaluated: 2026-08-28. Review status: reviewed by expert panel. Criteria: ClinGen SCID ACMG Specifications JAK3 V2.3. Collection method: curation. Allele origin: germline. Inheritance: Autosomal recessive inheritance.
Comment: The NM_000215.4(JAK3): c.437T>G variant in JAK3 is a missense variant predicted to substitute of Valine with Glycine at amino acid 146 (p.Val146Gly). This variant is absent from the general population in gnomAD v4.1.1 (PM2_Supporting). In a SCID patient (Clinvar submitter SCV003346292.4 ), this variant was identified in trans with another JAK3 variant, c.1701+1G>A, with parental testing confirming each parent was heterozygous for one of the two variants. The co-occurring variant, c.1701+1G>A has been classified as Likely Pathogenic by the SCID VCEP (1.0 point, PM3). A total of 1.5 points were assigned, meeting the PP4 criterion. In summary, this variant meets the criteria to be classified as a variant of uncertain significance for autosomal recessive severe combined immunodeficiency due to JAK3 deficiency based on the ACMG/AMP criteria applied, as specified by the ClinGen SCID VCEP: PM3, PP4, PM2_Supporting, (VCEP specifications version 2.3.0).

Labcorp Genetics (formerly Invitae), Labcorp
Classification: Likely pathogenic for T-B+ severe combined immunodeficiency due to JAK3 deficiency. Last evaluated: 2023-12-18. Review status: criteria provided, single submitter. Criteria: Invitae Variant Classification Sherloc (09022015). Collection method: clinical testing. Allele origin: germline. Not counted in ClinVar's aggregate classification.
Comment: This sequence change replaces valine, which is neutral and non-polar, with glycine, which is neutral and non-polar, at codon 146 of the JAK3 protein (p.Val146Gly). This variant is not present in population databases (gnomAD no frequency). This missense change has been observed in individual(s) with clinical features of severe combined immunodeficiency (Invitae). In at least one individual the data is consistent with being in trans (on the opposite chromosome) from a pathogenic variant. ClinVar contains an entry for this variant (Variation ID: 2007667). An algorithm developed to predict the effect of missense changes on protein structure and function (PolyPhen-2) suggests that this variant is likely to be disruptive. In summary, the currently available evidence indicates that the variant is pathogenic, but additional data are needed to prove that conclusively. Therefore, this variant has been classified as Likely Pathogenic.

NM_000215.4(JAK3):c.437T>G (p.Val146Gly)

Gene: JAK3 (Janus kinase 3; minus strand). Cytogenetic location: 19p13.11.
Variant type: single nucleotide variant.
Coding change: c.437T>G on transcript NM_000215.4 (MANE Select); coding-DNA position 437, T replaced by G.
Protein change: p.Val146Gly; replaces valine 146 with glycine.
Molecular consequence: missense variant.
Genome position (GRCh38, 1-based): chr19:17,843,156, A>C on the plus strand (T>G on the coding strand, the complement: JAK3 is on the minus strand). VCF-style: chr19-17843156-A-C. GRCh37 (hg19) VCF-style: chr19-17953965-A-C.
Other names: NM_000215.4(JAK3):c.437T>G; p.Val146Gly; short protein forms V146G.
Identifiers: ClinVar variation 2007667 (VCV002007667.5), dbSNP rs2514578433, ClinGen allele CA404773403.